The following is an entry in ClinVar:

ClinVar aggregate classification (germline): Uncertain significance (1 of 4 stars; one submission).

Conditions:
Primary ciliary dyskinesia 30. Also called: CILIARY DYSKINESIA, PRIMARY, 30, WITH OR WITHOUT SITUS INVERSUS. Identifiers: Orphanet 244, MedGen C4015016, MONDO:0014465, OMIM 616037.

Allele frequency attached by ClinVar (database versions not stated): TOPMed below 0.00001; gnomAD exomes below 0.00001.
gnomAD v4.1: 1 of 1,602,000 alleles (0.000062%); highest among the groups gnomAD compares: Non-Finnish European, 0.000085%; no homozygotes.

Submission:

Labcorp Genetics (formerly Invitae), Labcorp
Classification: Uncertain significance for Primary ciliary dyskinesia 30. Last evaluated: 2017-05-26. Review status: criteria provided, single submitter. Criteria: Invitae Variant Classification Sherloc (09022015). Collection method: clinical testing. Allele origin: germline.
Comment: This sequence change replaces valine with methionine at codon 161 of the CCDC151 protein (p.Val161Met). The valine residue is moderately conserved and there is a small physicochemical difference between valine and methionine. This variant is not present in population databases (ExAC no frequency). This variant has not been reported in the literature in individuals with a CCDC151-related disease. Algorithms developed to predict the effect of missense changes on protein structure and function output the following: SIFT: "Tolerated"; PolyPhen-2: "Benign"; Align-GVGD: "Class C0". The methionine amino acid residue is found in multiple mammalian species, suggesting that this missense change does not adversely affect protein function. These predictions have not been confirmed by published functional studies and their clinical significance is uncertain. In summary, this variant has uncertain impact on CCDC151 function. The available evidence is currently insufficient to determine its role in disease. Therefore, it has been classified as a Variant of Uncertain Significance.

NM_145045.5(ODAD3):c.481G>A (p.Val161Met)

Gene: ODAD3 (outer dynein arm docking complex subunit 3; minus strand). Cytogenetic location: 19p13.2.
Variant type: single nucleotide variant.
Coding change: c.481G>A on transcript NM_145045.5 (MANE Select); coding-DNA position 481, G replaced by A.
Protein change: p.Val161Met; replaces valine 161 with methionine.
Molecular consequence: missense variant.
Genome position (GRCh38, 1-based): chr19:11,427,004, C>T on the plus strand (G>A on the coding strand, the complement: ODAD3 is on the minus strand). VCF-style: chr19-11427004-C-T. GRCh37 (hg19) VCF-style: chr19-11537824-C-T.
Other names: c.319G>A, p.Val107Met (NM_001302453.1); c.403G>A, p.Val135Met (NM_001302454.2); short protein forms V161M, V107M, V135M.
Identifiers: ClinVar variation 477983 (VCV000477983.8), dbSNP rs1555723194, ClinGen allele CA404125323.